The following is an entry in ClinVar:

ClinVar aggregate classification (germline): Uncertain significance (1 of 4 stars; one submission).

Conditions:
Hemolytic anemia due to glucophosphate isomerase deficiency (CNSHA4). Also called: ANEMIA, CONGENITAL, NONSPHEROCYTIC HEMOLYTIC, 4. Identifiers: Orphanet 712, MedGen C0272064, MONDO:0013275, OMIM 613470.

Allele frequency attached by ClinVar (database versions not stated): ExAC 0.00001; ESP Exome Variant Server 0.00008; gnomAD exomes below 0.00001; gnomAD 0.00003.
gnomAD v4.1: 4 of 1,613,832 alleles (0.00025%); highest among the groups gnomAD compares: African/African-American, 0.0053%; no homozygotes.

Submission:

Baylor Genetics
Classification: Uncertain significance for Hemolytic anemia due to glucophosphate isomerase deficiency. Last evaluated: 2018-02-06. Review status: criteria provided, single submitter. Criteria: ACMG Guidelines, 2015. Collection method: clinical testing. Allele origin: unknown. Affected: yes.
Comment: This variant was determined to be of uncertain significance according to ACMG Guidelines, 2015 [PMID:25741868].

NM_000175.5(GPI):c.1595G>C (p.Ser532Thr)

Gene: GPI (glucose-6-phosphate isomerase; plus strand). Cytogenetic location: 19q13.11.
Variant type: single nucleotide variant.
Coding change: c.1595G>C on transcript NM_000175.5 (MANE Select); coding-DNA position 1595, G replaced by C.
Protein change: p.Ser532Thr; replaces serine 532 with threonine.
Molecular consequence: missense variant.
Genome position (GRCh38, 1-based): chr19:34,399,954, G>C. VCF-style: chr19-34399954-G-C. GRCh37 (hg19) VCF-style: chr19-34890859-G-C.
Other names: c.1628G>C, p.Ser543Thr (NM_001184722.1); c.1712G>C, p.Ser571Thr (NM_001289789.1); c.1511G>C, p.Ser504Thr (NM_001289790.3); c.1595G>C, p.Ser532Thr (NM_001329909.1, NM_001329910.1); c.1568G>C, p.Ser523Thr (NM_001329911.2); short protein forms S571T, S532T, S523T, S543T, S504T.
Identifiers: ClinVar variation 1031448 (VCV001031448.1), dbSNP rs139035514, ClinGen allele CA9367489.